The following is an entry in ClinVar:

NM_153252.5(BRWD3):c.1271T>A (p.Leu424His)

Gene: BRWD3 (bromodomain and WD repeat domain containing 3; minus strand). Cytogenetic location: Xq21.1.
Variant type: single nucleotide variant.
Coding change: c.1271T>A on transcript NM_153252.5 (MANE Select); coding-DNA position 1271, T replaced by A.
Protein change: p.Leu424His; replaces leucine 424 with histidine.
Molecular consequence: missense variant.
Genome position (GRCh38, 1-based): chrX:80,728,867, A>T on the plus strand (T>A on the coding strand, the complement: BRWD3 is on the minus strand). VCF-style: chrX-80728867-A-T. GRCh37 (hg19) VCF-style: chrX-79984366-A-T.
Other names: c.1271T>A, p.Leu424His (NM_001441339.1); short protein forms L424H.
Identifiers: ClinVar variation 4755644 (VCV004755644.1).

ClinVar aggregate classification (germline): Uncertain significance (1 of 4 stars; one submission).

Submission:

GeneDx
Classification: Uncertain significance. Last evaluated: 2025-08-06. Review status: criteria provided, single submitter. Criteria: GeneDx Variant Classification Process June 2021. Collection method: clinical testing. Allele origin: germline. Affected: yes.
Comment: Not observed at significant frequency in large population cohorts (gnomAD); In silico analysis suggests that this missense variant does not alter protein structure/function; Has not been previously published as pathogenic or benign to our knowledge